The following is an entry in ClinVar:

NM_006306.4(SMC1A):c.1607A>G (p.Lys536Arg)

Gene: SMC1A (structural maintenance of chromosomes 1A; minus strand). Cytogenetic location: Xp11.22.
Variant type: single nucleotide variant.
Coding change: c.1607A>G on transcript NM_006306.4 (MANE Select); coding-DNA position 1607, A replaced by G.
Protein change: p.Lys536Arg; replaces lysine 536 with arginine.
Molecular consequence: missense variant.
Genome position (GRCh38, 1-based): chrX:53,405,895, T>C on the plus strand (A>G on the coding strand, the complement: SMC1A is on the minus strand). VCF-style: chrX-53405895-T-C. GRCh37 (hg19) VCF-style: chrX-53432827-T-C.
Other names: c.1541A>G, p.Lys514Arg (NM_001281463.1); short protein forms K514R, K536R.
Identifiers: ClinVar variation 1346682 (VCV001346682.6), dbSNP rs2146600076, ClinGen allele CA413253834.

ClinVar aggregate classification (germline): Pathogenic (1 of 4 stars; one submission).

Conditions:
Congenital muscular hypertrophy-cerebral syndrome (CDLS2). Also called: Cornelia de Lange syndrome 2; SMC1A-Related Cornelia de Lange Syndrome. Identifiers: Orphanet 199, MedGen C1802395, MONDO:0010370, OMIM 300590.

Submission:

Labcorp Genetics (formerly Invitae), Labcorp
Classification: Pathogenic for Congenital muscular hypertrophy-cerebral syndrome. Last evaluated: 2022-05-11. Review status: criteria provided, single submitter. Criteria: Invitae Variant Classification Sherloc (09022015). Collection method: clinical testing. Allele origin: germline.
Comment: This variant is not present in population databases (gnomAD no frequency). This sequence change replaces lysine, which is basic and polar, with arginine, which is basic and polar, at codon 536 of the SMC1A protein (p.Lys536Arg). This missense change has been observed in individual(s) with clinical features of Cornelia de Lange syndrome (Invitae). In at least one individual the variant was observed to be de novo. For these reasons, this variant has been classified as Pathogenic. Algorithms developed to predict the effect of sequence changes on RNA splicing suggest that this variant may create or strengthen a splice site. Advanced modeling of protein sequence and biophysical properties (such as structural, functional, and spatial information, amino acid conservation, physicochemical variation, residue mobility, and thermodynamic stability) performed at Invitae indicates that this missense variant is expected to disrupt SMC1A protein function.